The following is an entry in ClinVar:

NM_003000.3(SDHB):c.434A>G (p.Asn145Ser)

Gene: SDHB (succinate dehydrogenase complex iron sulfur subunit B; minus strand). Cytogenetic location: 1p36.13.
Variant type: single nucleotide variant.
Coding change: c.434A>G on transcript NM_003000.3 (MANE Select); coding-DNA position 434, A replaced by G.
Protein change: p.Asn145Ser; replaces asparagine 145 with serine.
Molecular consequence: missense variant.
Genome position (GRCh38, 1-based): chr1:17,027,855, T>C on the plus strand (A>G on the coding strand, the complement: SDHB is on the minus strand). VCF-style: chr1-17027855-T-C. GRCh37 (hg19) VCF-style: chr1-17354350-T-C.
Other names: c.380A>G, p.Asn127Ser (NM_001407361.1); short protein forms N145S, N127S.
Identifiers: ClinVar variation 2934131 (VCV002934131.4), dbSNP rs866013015, ClinGen allele CA338273454.

ClinVar aggregate classification (germline): Uncertain significance. Review status: criteria provided, multiple submitters, no conflicts (2 of 4 stars). 2 submissions from 2 submitters: Uncertain significance (2). Last evaluated 2025-05-04.

Conditions:
Hereditary cancer-predisposing syndrome. Also called: Neoplastic Syndromes, Hereditary; Hereditary neoplastic syndrome; Tumor predisposition; Hereditary Cancer Syndrome. Identifiers: Orphanet 140162, MedGen C0027672, MeSH D009386, MONDO:0015356.
Pheochromocytoma. Also called: MAX-Related Hereditary Paraganglioma-Pheochromocytoma Syndrome. Identifiers: Orphanet 29072, MedGen C0031511, MONDO:0008233, OMIM 171300, HP:0002666.
Gastrointestinal stromal tumor. Also called: Gastrointestinal stromal tumor, somatic; Gastrointestinal stroma tumor. Identifiers: Orphanet 44890, MedGen C0238198, MeSH D046152, MONDO:0011719, OMIM 606764, HP:0100723.
Pheochromocytoma/paraganglioma syndrome 4. Also called: CAROTID BODY TUMORS AND MULTIPLE EXTRAADRENAL PHEOCHROMOCYTOMAS; PARAGANGLIOMA, FAMILIAL MALIGNANT; PARAGANGLIOMAS, HEREDITARY EXTRAADRENAL; PHEOCHROMOCYTOMA, FAMILIAL EXTRAADRENAL; Paragangliomas 4; SDHB-Related Hereditary Paraganglioma-Pheochromocytoma Syndrome (Paragangliomas 4). Identifiers: Orphanet 29072, MedGen C1861848, MONDO:0007273, OMIM 115310.

gnomAD v4.1: 1 of 1,601,004 alleles (0.000062%); no homozygotes.

Submissions (2):

Labcorp Genetics (formerly Invitae), Labcorp
Classification: Uncertain significance for Gastrointestinal stromal tumor; Pheochromocytoma/paraganglioma syndrome 4; Pheochromocytoma. Last evaluated: 2025-05-04. Review status: criteria provided, single submitter. Criteria: Invitae Variant Classification Sherloc (09022015). Collection method: clinical testing. Allele origin: germline.
Comment: This sequence change replaces asparagine, which is neutral and polar, with serine, which is neutral and polar, at codon 145 of the SDHB protein (p.Asn145Ser). This variant is not present in population databases (gnomAD no frequency). This variant has not been reported in the literature in individuals affected with SDHB-related conditions. ClinVar contains an entry for this variant (Variation ID: 2934131). Invitae Evidence Modeling of protein sequence and biophysical properties (such as structural, functional, and spatial information, amino acid conservation, physicochemical variation, residue mobility, and thermodynamic stability) indicates that this missense variant is not expected to disrupt SDHB protein function with a negative predictive value of 80%. In summary, the available evidence is currently insufficient to determine the role of this variant in disease. Therefore, it has been classified as a Variant of Uncertain Significance.

Ambry Genetics
Classification: Uncertain significance for Hereditary cancer-predisposing syndrome. Last evaluated: 2023-01-25. Review status: criteria provided, single submitter. Criteria: Ambry Variant Classification Scheme 2023. Collection method: clinical testing. Allele origin: germline.
Comment: The p.N145S variant (also known as c.434A>G), located in coding exon 5 of the SDHB gene, results from an A to G substitution at nucleotide position 434. The asparagine at codon 145 is replaced by serine, an amino acid with highly similar properties. This amino acid position is conserved. In addition, the in silico prediction for this alteration is inconclusive. Since supporting evidence is limited at this time, the clinical significance of this alteration remains unclear.